The following is an entry in ClinVar:

ClinVar aggregate classification (germline): Uncertain significance (1 of 4 stars; one submission).

Allele frequency attached by ClinVar (database versions not stated): gnomAD 0.00001; TOPMed 0.00001.
gnomAD v4.1: 2 of 1,610,752 alleles (0.00012%); highest among the groups gnomAD compares: East Asian, 0.0022%; no homozygotes.

Submission:

Labcorp Genetics (formerly Invitae), Labcorp
Classification: Uncertain significance. Last evaluated: 2022-08-09. Review status: criteria provided, single submitter. Criteria: Invitae Variant Classification Sherloc (09022015). Collection method: clinical testing. Allele origin: germline.
Comment: In summary, the available evidence is currently insufficient to determine the role of this variant in disease. Therefore, it has been classified as a Variant of Uncertain Significance. Algorithms developed to predict the effect of sequence changes on RNA splicing suggest that this variant may create or strengthen a splice site. Algorithms developed to predict the effect of missense changes on protein structure and function output the following: SIFT: "Deleterious"; PolyPhen-2: "Not Available"; Align-GVGD: "Class C0". The leucine amino acid residue is found in multiple mammalian species, which suggests that this missense change does not adversely affect protein function. This variant has not been reported in the literature in individuals affected with CDH23-related conditions. This variant is not present in population databases (gnomAD no frequency). This sequence change replaces phenylalanine, which is neutral and non-polar, with leucine, which is neutral and non-polar, at codon 3323 of the CDH23 protein (p.Phe3323Leu).

NM_022124.6(CDH23):c.9969C>A (p.Phe3323Leu)

Gene: CDH23 (cadherin related 23; plus strand). Cytogenetic location: 10q22.1.
Variant type: single nucleotide variant.
Coding change: c.9969C>A on transcript NM_022124.6 (MANE Select); coding-DNA position 9969, C replaced by A.
Protein change: p.Phe3323Leu; replaces phenylalanine 3323 with leucine.
Molecular consequence: missense variant.
Genome position (GRCh38, 1-based): chr10:71,815,182, C>A. VCF-style: chr10-71815182-C-A. GRCh37 (hg19) VCF-style: chr10-73574939-C-A.
Other names: c.3249C>A, p.Phe1083Leu (NM_001171933.1); c.3144C>A, p.Phe1048Leu (NM_001171934.1); c.660C>A, p.Phe220Leu (NM_001171935.1); c.555C>A, p.Phe185Leu (NM_001171936.1); short protein forms F220L, F3323L, F1083L, F1048L, F185L.
Identifiers: ClinVar variation 1930476 (VCV001930476.5), dbSNP rs1253523523, ClinGen allele CA377138817.